The following is an entry in ClinVar:

NM_000038.6(APC):c.6117G>T (p.Leu2039Phe)

Gene: APC (APC regulator of Wnt signaling pathway; plus strand). Cytogenetic location: 5q22.2.
Variant type: single nucleotide variant.
Coding change: c.6117G>T on transcript NM_000038.6 (MANE Select); coding-DNA position 6117, G replaced by T.
Protein change: p.Leu2039Phe; replaces leucine 2039 with phenylalanine.
Molecular consequence: missense variant.
Genome position (GRCh38, 1-based): chr5:112,841,711, G>T. VCF-style: chr5-112841711-G-T. GRCh37 (hg19) VCF-style: chr5-112177408-G-T.
Other names: c.6117G>T, p.Leu2039Phe (NM_001127510.3, NM_001354895.2); c.6063G>T, p.Leu2021Phe (NM_001127511.3); c.6171G>T, p.Leu2057Phe (NM_001354896.2); c.6147G>T, p.Leu2049Phe (NM_001354897.2); c.6042G>T, p.Leu2014Phe (NM_001354898.2); c.6033G>T, p.Leu2011Phe (NM_001354899.2); c.5994G>T, p.Leu1998Phe (NM_001354900.2); c.5940G>T, p.Leu1980Phe (NM_001354901.2); and 5 more; short protein forms L2021F, L2039F, L1756F, L1913F, L1938F, L1980F, L2011F, L1879F.
Identifiers: ClinVar variation 184130 (VCV000184130.43), dbSNP rs372418435, ClinGen allele CA010933.
Genomic context (GRCh38, chr5:112,841,711, plus strand): 5'-TTGTTTCTCAAGAAACAGTTCTCTCAGTTCTCTTAGTATTGACTCTGAAGATGACCTGTT[G>T]CAGGAATGTATAAGCTCCGCAATGCCAAAAAAGAAAAAGCCTTCAAGACTCAAGGGTGAT-3'
Protein context (NP_000029.2, residues 2029-2049): SLSIDSEDDL[Leu2039Phe]QECISSAMPK

ClinVar aggregate classification (germline): Conflicting classifications of pathogenicity. Review status: criteria provided, conflicting classifications (1 of 4 stars). 17 submissions from 17 submitters: Uncertain significance (11); Likely benign (3). 3 of the submissions do not count toward it. Last evaluated 2026-02-20.

Conditions:
Classic or attenuated familial adenomatous polyposis. Identifiers: MedGen CN372698, MONDO:0021057.
Gastric adenocarcinoma and proximal polyposis of the stomach (GAPPS). Also called: Polyposis, gastric, Dos Santos and de Magalhaes 1980; Gastric Adenocarcinoma and Proximal Polyposis of the Stomach (GAPPS); POLYPOSIS, GASTRIC. Identifiers: Orphanet 314022, MedGen C4749917, MONDO:0017790, OMIM 619182.
Familial adenomatous polyposis 1 (FAP1). Also called: FAMILIAL ADENOMATOUS POLYPOSIS 1, ATTENUATED; POLYPOSIS, ADENOMATOUS INTESTINAL. Identifiers: MedGen C2713442, MONDO:0021056, OMIM 175100. Disease mechanism: loss of function.
Hepatocellular carcinoma (HCC). Also called: Primary carcinoma of liver; HEPATOMA; LIVER CELL CARCINOMA. Identifiers: Orphanet 88673, MedGen C2239176, MONDO:0007256, OMIM 114550, HP:0001402.
Desmoid disease, hereditary (DESMD). Also called: FIBROMATOSIS, FAMILIAL INFILTRATIVE. Identifiers: Orphanet 873, MedGen C1851124, OMIM 135290. Disease mechanism: loss of function.
Gastric cancer. Also called: Stomach cancer; Malignant tumor of stomach. Identifiers: MedGen C0024623, MeSH D013274, MONDO:0001056, OMIM 613659, HP:0012126.
Colorectal cancer. Also called: Colorectal cancer, somatic; Malignant Colorectal Neoplasm. Identifiers: MedGen C0346629, MONDO:0005575, OMIM 114500.
APC-related disorder. Also called: APC-related condition.
Hereditary cancer-predisposing syndrome. Also called: Tumor predisposition; Neoplastic Syndromes, Hereditary; Hereditary neoplastic syndrome; Hereditary Cancer Syndrome. Identifiers: Orphanet 140162, MedGen C0027672, MeSH D009386, MONDO:0015356.
Carcinoma of colon (CRC). Also called: Colon carcinoma; Colonic carcinoma. Identifiers: MedGen C0699790, MONDO:0002032.

Allele frequency attached by ClinVar (database versions not stated): ExAC 0.00002; gnomAD exomes 0.00002; TOPMed 0.00003; gnomAD 0.00004; ESP Exome Variant Server 0.00008.
gnomAD v4.1: 54 of 1,613,698 alleles (0.0033%); highest among the groups gnomAD compares: Non-Finnish European, 0.0043%; no homozygotes.

Submissions 1 to 12 of 17:

St. Jude Molecular Pathology, St. Jude Children's Research Hospital
Classification: Uncertain significance for Familial adenomatous polyposis 1. Last evaluated: 2026-02-20. Review status: criteria provided, single submitter. Criteria: St. Jude Assertion Criteria 2020. Collection method: clinical testing. Allele origin: germline.
Comment: The APC c.6117G>T p.(Leu2039Phe) missense change has a maximum subpopulation frequency of 0.005% in gnomAD v2.1.1. The in silico tool REVEL predicts a deleterious effect on protein function, but to our knowledge this prediction has not been confirmed by functional studies . To our knowledge, this variant has not been reported in the literature in individuals with APC-related disease. In summary, the evidence currently available is insufficient to determine the clinical significance of this variant. It has therefore been c lassified as of uncertain significance.

Labcorp Genetics (formerly Invitae), Labcorp
Classification: Uncertain significance for Familial adenomatous polyposis 1. Last evaluated: 2025-12-08. Review status: criteria provided, single submitter. Criteria: Invitae Variant Classification Sherloc (09022015). Collection method: clinical testing. Allele origin: germline.
Comment: This sequence change replaces leucine, which is neutral and non-polar, with phenylalanine, which is neutral and non-polar, at codon 2039 of the APC protein (p.Leu2039Phe). This variant is present in population databases (rs372418435, gnomAD 0.004%). This variant has not been reported in the literature in individuals affected with APC-related conditions. ClinVar contains an entry for this variant (Variation ID: 184130). Invitae Evidence Modeling of protein sequence and biophysical properties (such as structural, functional, and spatial information, amino acid conservation, physicochemical variation, residue mobility, and thermodynamic stability) indicates that this missense variant is not expected to disrupt APC protein function with a negative predictive value of 95%. In summary, the available evidence is currently insufficient to determine the role of this variant in disease. Therefore, it has been classified as a Variant of Uncertain Significance.

Mayo Clinic Laboratories, Mayo Clinic
Classification: Likely benign. Last evaluated: 2024-12-30. Review status: criteria provided, single submitter. Criteria: ACMG Guidelines, 2015. Collection method: clinical testing. Allele origin: germline. Observed: 1 variant allele.
Comment: BS1, BP1

All of Us Research Program, National Institutes of Health
Classification: Uncertain significance for Classic or attenuated familial adenomatous polyposis. Last evaluated: 2024-08-29. Review status: criteria provided, single submitter. Criteria: ACMG Guidelines, 2015. Collection method: clinical testing. Allele origin: germline. Inheritance: Autosomal dominant inheritance. Observed: 11 variant alleles, 11 heterozygotes.
Comment: This missense variant replaces leucine with phenylalanine at codon 2039 of the APC protein. Computational prediction suggests that this variant may have deleterious impact on protein structure and function (internally defined REVEL score threshold >= 0.7, PMID: 27666373). To our knowledge, functional studies have not been reported for this variant. This variant has not been reported in individuals affected with APC-related disorders in the literature. This variant has been identified in 7/282216 chromosomes in the general population by the Genome Aggregation Database (gnomAD). The available evidence is insufficient to determine the role of this variant in disease conclusively. Therefore, this variant is classified as a Variant of Uncertain Significance.

This study involves interpretation of variants in research participants for the purpose of population health screening. Participant phenotype was not available at the time of variant classification. Additional details can be found in publication PMID: 35346344, PMCID: PMC8962531

GeneDx
Classification: Uncertain significance. Last evaluated: 2024-08-14. Review status: criteria provided, single submitter. Criteria: GeneDx Variant Classification Process June 2021. Collection method: clinical testing. Allele origin: germline. Affected: yes.
Comment: In silico analysis supports that this missense variant has a deleterious effect on protein structure/function; Observed in individuals with breast cancer and polyps (PMID: 34326862); This variant is associated with the following publications: (PMID: 33875564, 25085752, 31175917, 35731023, 34326862, 18199528)

Blueprint Genetics
Classification: Uncertain significance. Last evaluated: 2024-05-06. Review status: criteria provided, single submitter. Criteria: ACMG Guidelines, 2015. Collection method: clinical testing. Allele origin: germline.

Fulgent Genetics
Classification: Uncertain significance for Colorectal cancer; Hepatocellular carcinoma; Desmoid disease, hereditary; Familial adenomatous polyposis 1; Gastric cancer; Gastric adenocarcinoma and proximal polyposis of the stomach. Last evaluated: 2024-04-16. Review status: criteria provided, single submitter. Criteria: ACMG Guidelines, 2015. Collection method: clinical testing. Allele origin: germline.

Baylor Genetics
Classification: Uncertain significance for Familial adenomatous polyposis 1. Last evaluated: 2024-02-14. Review status: criteria provided, single submitter. Criteria: ACMG Guidelines, 2015. Collection method: clinical testing. Allele origin: unknown.

Color Diagnostics, LLC DBA Color Health
Classification: Uncertain significance for Hereditary cancer-predisposing syndrome. Last evaluated: 2023-11-15. Review status: criteria provided, single submitter. Criteria: ACMG Guidelines, 2015. Collection method: clinical testing. Allele origin: germline.
Comment: This missense variant replaces leucine with phenylalanine at codon 2039 of the APC protein. Computational prediction suggests that this variant may have deleterious impact on protein structure and function (internally defined REVEL score threshold >= 0.7, PMID: 27666373). To our knowledge, functional studies have not been reported for this variant. This variant has not been reported in individuals affected with APC-related disorders in the literature. This variant has been identified in 7/282216 chromosomes in the general population by the Genome Aggregation Database (gnomAD). The available evidence is insufficient to determine the role of this variant in disease conclusively. Therefore, this variant is classified as a Variant of Uncertain Significance.

Myriad Genetics, Inc.
Classification: Likely benign for Familial adenomatous polyposis 1. Last evaluated: 2023-02-17. Review status: criteria provided, single submitter. Criteria: Myriad Autosomal Dominant, Autosomal Recessive and X-Linked Classification Criteria (2023). Collection method: clinical testing. Allele origin: unknown.
Comment: This variant is considered likely benign. This variant is strongly associated with less severe personal and family histories of cancer, typical for individuals without pathogenic variants in this gene [PMID: 25085752].

Ambry Genetics
Classification: Likely benign for Hereditary cancer-predisposing syndrome. Last evaluated: 2022-12-01. Review status: criteria provided, single submitter. Criteria: Ambry Variant Classification Scheme 2023. Collection method: clinical testing. Allele origin: germline.

Quest Diagnostics Nichols Institute San Juan Capistrano
Classification: Uncertain significance. Last evaluated: 2019-07-05. Review status: criteria provided, single submitter. Criteria: Quest Diagnostics criteria. Collection method: clinical testing. Allele origin: germline.